The following is an entry in ClinVar:

ClinVar aggregate classification (germline): Uncertain significance (1 of 4 stars; one submission).

Conditions:
Inborn genetic diseases. Identifiers: MedGen C0950123, MeSH D030342.

gnomAD v4.1: 2 of 1,614,012 alleles (0.00012%); highest among the groups gnomAD compares: Non-Finnish European, 0.00017%; no homozygotes.

Submission:

Ambry Genetics
Classification: Uncertain significance for Inborn genetic diseases. Last evaluated: 2023-01-19. Review status: criteria provided, single submitter. Criteria: Ambry Variant Classification Scheme 2023. Collection method: clinical testing. Allele origin: germline.
Comment: The p.S1073P variant (also known as c.3217T>C), located in coding exon 24 of the LRRK2 gene, results from a T to C substitution at nucleotide position 3217. The serine at codon 1073 is replaced by proline, an amino acid with similar properties. This amino acid position is conserved. In addition, this alteration is predicted to be tolerated by in silico analysis. Since supporting evidence is limited at this time, the clinical significance of this alteration remains unclear.

NM_198578.4(LRRK2):c.3217T>C (p.Ser1073Pro)

Gene: LRRK2 (leucine rich repeat kinase 2; plus strand). Cytogenetic location: 12q12.
Variant type: single nucleotide variant.
Coding change: c.3217T>C on transcript NM_198578.4 (MANE Select); coding-DNA position 3217, T replaced by C.
Protein change: p.Ser1073Pro; replaces serine 1073 with proline.
Molecular consequence: missense variant.
Genome position (GRCh38, 1-based): chr12:40,298,363, T>C. VCF-style: chr12-40298363-T-C. GRCh37 (hg19) VCF-style: chr12-40692165-T-C.
Other names: short protein forms S1073P.
Identifiers: ClinVar variation 2453089 (VCV002453089.2), dbSNP rs781408414, ClinGen allele CA384414629.